The following is an entry in ClinVar:

ClinVar aggregate classification (germline): Likely pathogenic (1 of 4 stars; one submission).

Submission:

Labcorp Genetics (formerly Invitae), Labcorp
Classification: Likely pathogenic. Last evaluated: 2021-01-05. Review status: criteria provided, single submitter. Criteria: Invitae Variant Classification Sherloc (09022015). Collection method: clinical testing. Allele origin: germline.
Comment: In summary, the currently available evidence indicates that the variant is pathogenic, but additional data are needed to prove that conclusively. Therefore, this variant has been classified as Likely Pathogenic. Algorithms developed to predict the effect of sequence changes on RNA splicing suggest that this variant may disrupt the consensus splice site, but this prediction has not been confirmed by published transcriptional studies. This variant has not been reported in the literature in individuals with ASNS-related conditions. This variant is not present in population databases (ExAC no frequency). This sequence change affects an acceptor splice site in intron 6 of the ASNS gene. It is expected to disrupt RNA splicing. Variants that disrupt the donor or acceptor splice site typically lead to a loss of protein function (PMID: 16199547), and loss-of-function variants in ASNS are known to be pathogenic (PMID: 27422383, 30057589).

Literature cited by the submitters: PubMed 16199547; PubMed 27422383; PubMed 30057589.

NM_001673.5(ASNS):c.776-2del

Genes: ASNS (asparagine synthetase (glutamine-hydrolyzing); minus strand), CZ1P-ASNS (CZ1P-ASNS readthrough; minus strand). Cytogenetic location: 7q21.3.
Variant type: Deletion.
Coding change: c.776-2del on transcript NM_001673.5 (MANE Select); the canonical splice acceptor site of the intron before coding-DNA position 776, one base deleted (A; older notation c.776-2delA).
Molecular consequence: splice acceptor variant.
Genome position (GRCh38, 1-based): chr7:97,858,407, T deleted on the plus strand (A on the coding strand, the reverse complement: ASNS is on the minus strand). VCF-style (leftmost placement, unchanged base first): chr7-97858406-CT-C. GRCh37 (hg19) VCF-style: chr7-97487718-CT-C.
Other names: c.776-2del (NM_001352496.2, NM_183356.4, NM_133436.3); c.527-2del (NM_001178076.2, NM_001178077.1); c.713-2del (NM_001178075.2).
Identifiers: ClinVar variation 1347691 (VCV001347691.8), dbSNP rs2115649654, ClinGen allele CA2573142481.